The following is an entry in ClinVar:

NM_001303.4(COX10):c.43+166T>C

Gene: COX10 (cytochrome c oxidase assembly factor heme A:farnesyltransferase COX10; plus strand). Cytogenetic location: 17p12.
Variant type: single nucleotide variant.
Coding change: c.43+166T>C on transcript NM_001303.4 (MANE Select); 166 bases into the intron after coding-DNA position 43, T replaced by C.
Molecular consequence: intron variant.
Genome position (GRCh38, 1-based): chr17:14,069,814, T>C. VCF-style: chr17-14069814-T-C. GRCh37 (hg19) VCF-style: chr17-13973131-T-C.
Identifiers: ClinVar variation 669477 (VCV000669477.1), dbSNP rs2302107, ClinGen allele CA14445700.

ClinVar aggregate classification (germline): Benign (1 of 4 stars; one submission).

Allele frequency attached by ClinVar (database versions not stated): 1000 Genomes Project 0.21985; 1000 Genomes Project 30x 0.22205; TOPMed 0.22934; gnomAD 0.23703 and 0.23797.
gnomAD v4.1: 35,986 of 151,994 alleles (24%); highest among the groups gnomAD compares: Non-Finnish European, 26%; 4,427 homozygotes.

Submission:

GeneDx
Classification: Benign. Last evaluated: 2018-06-14. Review status: criteria provided, single submitter. Criteria: GeneDx Variant Classification (06012015). Collection method: clinical testing. Allele origin: germline. Affected: yes.
Comment: This variant is considered likely benign or benign based on one or more of the following criteria: it is a conservative change, it occurs at a poorly conserved position in the protein, it is predicted to be benign by multiple in silico algorithms, and/or has population frequency not consistent with disease.